The following is an entry in ClinVar:

ClinVar aggregate classification (germline): Likely benign. Review status: criteria provided, multiple submitters, no conflicts (2 of 4 stars). 3 submissions from 3 submitters: Likely benign (2). 1 of the submissions does not count toward it. Last evaluated 2025-12-04.

Conditions:
MDH2-related disorder. Also called: MDH2-related condition.
Inborn genetic diseases. Identifiers: MedGen C0950123, MeSH D030342.

Allele frequency attached by ClinVar (database versions not stated): ExAC 0.00005; gnomAD exomes 0.00006 and 0.00012; ESP Exome Variant Server 0.00008; gnomAD 0.00009 and 0.00010.
gnomAD v4.1: 193 of 1,609,936 alleles (0.012%); highest among the groups gnomAD compares: Non-Finnish European, 0.016%; no homozygotes.

Submissions (3):

Labcorp Genetics (formerly Invitae), Labcorp
Classification: Likely benign. Last evaluated: 2025-12-04. Review status: criteria provided, single submitter. Criteria: Invitae Variant Classification Sherloc (09022015). Collection method: clinical testing. Allele origin: germline.

Ambry Genetics
Classification: Likely benign for Inborn genetic diseases. Last evaluated: 2022-02-14. Review status: criteria provided, single submitter. Criteria: Ambry Variant Classification Scheme 2023. Collection method: clinical testing. Allele origin: germline.

PreventionGenetics, part of Exact Sciences
Classification: Likely benign for MDH2-related condition. Last evaluated: 2019-04-03. Review status: no assertion criteria provided. Collection method: clinical testing. Allele origin: germline. Not counted in ClinVar's aggregate classification.
Comment: This variant is classified as likely benign based on ACMG/AMP sequence variant interpretation guidelines (Richards et al. 2015 PMID: 25741868, with internal and published modifications).

NM_005918.4(MDH2):c.909G>C (p.Leu303=)

Gene: MDH2 (malate dehydrogenase 2; plus strand). Cytogenetic location: 7q11.23.
Variant type: single nucleotide variant.
Coding change: c.909G>C on transcript NM_005918.4 (MANE Select); coding-DNA position 909, G replaced by C.
Protein change: p.Leu303=; no amino-acid change (leucine 303 retained).
Molecular consequence: synonymous variant.
Genome position (GRCh38, 1-based): chr7:76,066,302, G>C. VCF-style: chr7-76066302-G-C. GRCh37 (hg19) VCF-style: chr7-75695620-G-C.
Other names: c.909G>C (NM_005918.3); c.783G>C, p.Leu261= (NM_001282403.2); c.588G>C, p.Leu196= (NM_001282404.2).
Identifiers: ClinVar variation 1585266 (VCV001585266.12), dbSNP rs376135271, ClinGen allele CA4305768.